The following is an entry in ClinVar:

NM_017780.4(CHD7):c.8244C>G (p.Ser2748Arg)

Gene: CHD7 (chromodomain helicase DNA binding protein 7; plus strand). Cytogenetic location: 8q12.2.
Variant type: single nucleotide variant.
Coding change: c.8244C>G on transcript NM_017780.4 (MANE Select); coding-DNA position 8244, C replaced by G.
Protein change: p.Ser2748Arg; replaces serine 2748 with arginine.
Molecular consequence: missense variant.
Genome position (GRCh38, 1-based): chr8:60,865,183, C>G. VCF-style: chr8-60865183-C-G. GRCh37 (hg19) VCF-style: chr8-61777742-C-G.
Other names: c.2097C>G, p.Ser699Arg (NM_001316690.1); short protein forms S699R, S2748R.
Identifiers: ClinVar variation 2853933 (VCV002853933.3), dbSNP rs1772183912, ClinGen allele CA371307909.

ClinVar aggregate classification (germline): Uncertain significance (1 of 4 stars; one submission).

Conditions:
CHARGE syndrome (CHARGE). Also called: Hittner Hirsch Kreh syndrome; CHARGE ASSOCIATION--COLOBOMA, HEART ANOMALY, CHOANAL ATRESIA, RETARDATION, GENITAL AND EAR ANOMALIES; Coloboma, heart anomaly, choanal atresia, retardation, genital and ear anomalies; CHARGE association; Hall-Hittner syndrome. Identifiers: Orphanet 138, MedGen C0265354, MONDO:0008965.

Submission:

Labcorp Genetics (formerly Invitae), Labcorp
Classification: Uncertain significance for CHARGE syndrome. Last evaluated: 2023-06-10. Review status: criteria provided, single submitter. Criteria: Invitae Variant Classification Sherloc (09022015). Collection method: clinical testing. Allele origin: germline.
Comment: Advanced modeling of protein sequence and biophysical properties (such as structural, functional, and spatial information, amino acid conservation, physicochemical variation, residue mobility, and thermodynamic stability) performed at Invitae indicates that this missense variant is not expected to disrupt CHD7 protein function. In summary, the available evidence is currently insufficient to determine the role of this variant in disease. Therefore, it has been classified as a Variant of Uncertain Significance. This variant has not been reported in the literature in individuals affected with CHD7-related conditions. This variant is not present in population databases (gnomAD no frequency). This sequence change replaces serine, which is neutral and polar, with arginine, which is basic and polar, at codon 2748 of the CHD7 protein (p.Ser2748Arg).